The following is an entry in ClinVar:

ClinVar aggregate classification (germline): Pathogenic (1 of 4 stars; one submission).

Conditions:
Walker-Warburg congenital muscular dystrophy. Also called: Muscular dystrophy-dystroglycanopathy, type A; Walker-Warburg syndrome. Identifiers: Orphanet 899, MedGen C0265221, MONDO:0000171.

gnomAD v4.1: 1 of 1,605,856 alleles (0.000062%); highest among the groups gnomAD compares: Non-Finnish European, 0.000085%; no homozygotes.

Submission:

Labcorp Genetics (formerly Invitae), Labcorp
Classification: Pathogenic for Walker-Warburg congenital muscular dystrophy. Last evaluated: 2023-07-03. Review status: criteria provided, single submitter. Criteria: Invitae Variant Classification Sherloc (09022015). Collection method: clinical testing. Allele origin: germline.
Comment: For these reasons, this variant has been classified as Pathogenic. This sequence change replaces valine, which is neutral and non-polar, with phenylalanine, which is neutral and non-polar, at codon 51 of the FKRP protein (p.Val51Phe). This variant is not present in population databases (gnomAD no frequency). This missense change has been observed in individual(s) with limb-girdle muscular dystrophy (PMID: 27439679, 30107846, 32576226). In at least one individual the data is consistent with being in trans (on the opposite chromosome) from a pathogenic variant. ClinVar contains an entry for this variant (Variation ID: 1455089). Advanced modeling of protein sequence and biophysical properties (such as structural, functional, and spatial information, amino acid conservation, physicochemical variation, residue mobility, and thermodynamic stability) has been performed at Invitae for this missense variant, however the output from this modeling did not meet the statistical confidence thresholds required to predict the impact of this variant on FKRP protein function.

Literature cited by the submitters: PubMed 27439679; PubMed 30107846; PubMed 32576226.

NM_024301.5(FKRP):c.151G>T (p.Val51Phe)

Gene: FKRP (fukutin related protein; plus strand). Cytogenetic location: 19q13.32.
Variant type: single nucleotide variant.
Coding change: c.151G>T on transcript NM_024301.5 (MANE Select); coding-DNA position 151, G replaced by T.
Protein change: p.Val51Phe; replaces valine 51 with phenylalanine.
Molecular consequence: missense variant.
Genome position (GRCh38, 1-based): chr19:46,755,601, G>T. VCF-style: chr19-46755601-G-T. GRCh37 (hg19) VCF-style: chr19-47258858-G-T.
Other names: c.151G>T, p.Val51Phe (NM_001039885.3); short protein forms V51F.
Identifiers: ClinVar variation 1455089 (VCV001455089.8), dbSNP rs769377092, ClinGen allele CA406494761.
Genomic context (GRCh38, chr19:46,755,601, plus strand): 5'-CCTAGGAATTCCCGGGCCCGGGGGCCCCGTCGTGCCTCTGCTGCCGGCCCCCGTGTCACC[G>T]TCCTGGTGCGGGAGTTCGAGGCATTTGACAACGCGGTGCCCGAGCTGGTAGACTCCTTCC-3'
Protein context (NP_077277.1, residues 41-61): RASAAGPRVT[Val51Phe]LVREFEAFDN